The following is an entry in ClinVar:

ClinVar aggregate classification (germline): Uncertain significance (1 of 4 stars; one submission).

Conditions:
Werner syndrome (WRN). Identifiers: Orphanet 902, MedGen C0043119, MONDO:0010196, OMIM 277700.

Allele frequency attached by ClinVar (database versions not stated): gnomAD exomes below 0.00001; ExAC 0.00001.
gnomAD v4.1: 2 of 1,614,018 alleles (0.00012%); highest among the groups gnomAD compares: East Asian, 0.0022%; no homozygotes.

Submission:

Labcorp Genetics (formerly Invitae), Labcorp
Classification: Uncertain significance for Werner syndrome. Last evaluated: 2024-01-23. Review status: criteria provided, single submitter. Criteria: Invitae Variant Classification Sherloc (09022015). Collection method: clinical testing. Allele origin: germline.
Comment: This sequence change replaces alanine, which is neutral and non-polar, with serine, which is neutral and polar, at codon 706 of the WRN protein (p.Ala706Ser). This variant is present in population databases (rs775913837, gnomAD 0.006%). This variant has not been reported in the literature in individuals affected with WRN-related conditions. An algorithm developed to predict the effect of missense changes on protein structure and function (PolyPhen-2) suggests that this variant is likely to be disruptive. In summary, the available evidence is currently insufficient to determine the role of this variant in disease. Therefore, it has been classified as a Variant of Uncertain Significance.

NM_000553.6(WRN):c.2116G>T (p.Ala706Ser)

Gene: WRN (WRN RecQ like helicase; plus strand). Cytogenetic location: 8p12.
Variant type: single nucleotide variant.
Coding change: c.2116G>T on transcript NM_000553.6 (MANE Select); coding-DNA position 2116, G replaced by T.
Protein change: p.Ala706Ser; replaces alanine 706 with serine.
Molecular consequence: missense variant.
Genome position (GRCh38, 1-based): chr8:31,111,642, G>T. VCF-style: chr8-31111642-G-T. GRCh37 (hg19) VCF-style: chr8-30969158-G-T.
Other names: short protein forms A706S.
Identifiers: ClinVar variation 2919205 (VCV002919205.3), dbSNP rs775913837, ClinGen allele CA4704648.
Genomic context (GRCh38, chr8:31,111,642, plus strand): 5'-TCCTTTTTAAAATATCAGTTTTACATCATTCAGGTTCCAATCGTTGCACTTACTGCTACT[G>T]CAAGTTCTTCAATCCGGGAAGACATTGTACGTTGCTTAAATCTGAGAAATCCTCAGATCA-3'
Protein context (NP_000544.2, residues 696-716): MVPIVALTAT[Ala706Ser]SSSIREDIVR